The following is an entry in ClinVar:

ClinVar aggregate classification (germline): Uncertain significance. Review status: criteria provided, single submitter (1 of 4 stars). 2 submissions from 2 submitters: Uncertain significance (1). 1 of the submissions does not count toward it. Last evaluated 2021-08-26.

Conditions:
Pulmonary fibrosis and/or bone marrow failure, Telomere-related, 3. Also called: PULMONARY FIBROSIS AND/OR BONE MARROW FAILURE SYNDROME, TELOMERE-RELATED, 3. Identifiers: Orphanet 2032, MedGen C4225346, MONDO:0014613, OMIM 616373.
Dyskeratosis congenita, autosomal recessive 5 (DKCB5). Identifiers: MedGen C3554656, MONDO:0014076, OMIM 615190.
Dyskeratosis congenita. Identifiers: Orphanet 1775, MedGen C0265965, MONDO:0015780.

Allele frequency attached by ClinVar (database versions not stated): gnomAD exomes below 0.00001; TOPMed below 0.00001; ExAC 0.00003; ESP Exome Variant Server 0.00008.
gnomAD v4.1: 2 of 1,584,748 alleles (0.00013%); highest among the groups gnomAD compares: Non-Finnish European, 0.00017%; no homozygotes.

Submissions (2):

Labcorp Genetics (formerly Invitae), Labcorp
Classification: Uncertain significance for Dyskeratosis congenita, autosomal recessive 5; Pulmonary fibrosis and/or bone marrow failure, Telomere-related, 3. Last evaluated: 2021-08-26. Review status: criteria provided, single submitter. Criteria: Invitae Variant Classification Sherloc (09022015). Collection method: clinical testing. Allele origin: germline.
Comment: This sequence change replaces asparagine with serine at codon 239 of the RTEL1 protein (p.Asn239Ser). The asparagine residue is weakly conserved and there is a small physicochemical difference between asparagine and serine. This variant is present in population databases (rs375403784, ExAC 0.02%). This variant has not been reported in the literature in individuals affected with RTEL1-related conditions. Algorithms developed to predict the effect of missense changes on protein structure and function output the following: SIFT: "Tolerated"; PolyPhen-2: "Benign"; Align-GVGD: "Class C0". The serine amino acid residue is found in multiple mammalian species, which suggests that this missense change does not adversely affect protein function. In summary, the available evidence is currently insufficient to determine the role of this variant in disease. Therefore, it has been classified as a Variant of Uncertain Significance.

Natera, Inc.
Classification: Uncertain significance for Dyskeratosis congenita. Last evaluated: 2021-08-17. Review status: no assertion criteria provided. Collection method: clinical testing. Allele origin: germline. Not counted in ClinVar's aggregate classification.

NM_001283009.2(RTEL1):c.716A>G (p.Asn239Ser)

Genes: RTEL1 (regulator of telomere elongation helicase 1; plus strand), RTEL1-TNFRSF6B (RTEL1-TNFRSF6B readthrough (NMD candidate); plus strand). Cytogenetic location: 20q13.33.
Variant type: single nucleotide variant.
Coding change: c.716A>G on transcript NM_001283009.2 (MANE Select); coding-DNA position 716, A replaced by G.
Protein change: p.Asn239Ser; replaces asparagine 239 with serine.
Molecular consequence: missense variant. On other transcripts: non-coding transcript variant (1).
Genome position (GRCh38, 1-based): chr20:63,672,572, A>G. VCF-style: chr20-63672572-A-G. GRCh37 (hg19) VCF-style: chr20-62303925-A-G.
Other names: c.47A>G, p.Asn16Ser (NM_001283010.1); c.716A>G, p.Asn239Ser (NM_016434.4); c.788A>G, p.Asn263Ser (NM_032957.5); short protein forms N16S, N239S, N263S.
Identifiers: ClinVar variation 1019137 (VCV001019137.7), dbSNP rs375403784, ClinGen allele CA9964419.